The following is an entry in ClinVar:

NM_133433.4(NIPBL):c.8198G>T (p.Ser2733Ile)

Gene: NIPBL (NIPBL cohesin loading factor; plus strand). Cytogenetic location: 5p13.2.
Variant type: single nucleotide variant.
Coding change: c.8198G>T on transcript NM_133433.4 (MANE Select); coding-DNA position 8198, G replaced by T.
Protein change: p.Ser2733Ile; replaces serine 2733 with isoleucine.
Molecular consequence: missense variant. On other transcripts: 3 prime UTR variant (2).
Genome position (GRCh38, 1-based): chr5:37,064,675, G>T. VCF-style: chr5-37064675-G-T. GRCh37 (hg19) VCF-style: chr5-37064777-G-T.
Other names: c.*142G>T (NM_001438586.1); c.*652G>T (NM_015384.5); short protein forms S2733I.
Identifiers: ClinVar variation 4801418 (VCV004801418.1).

ClinVar aggregate classification (germline): Uncertain significance (1 of 4 stars; one submission).

Conditions:
Cornelia de Lange syndrome 1 (CDLS1). Also called: TYPUS DEGENERATIVUS AMSTELODAMENSIS; Brachmann de Lange syndrome; NIPBL-Related Cornelia de Lange Syndrome. Identifiers: Orphanet 199, MedGen C4551851, MONDO:0007387, OMIM 122470.

Submission:

Labcorp Genetics (formerly Invitae), Labcorp
Classification: Uncertain significance for Cornelia de Lange syndrome 1. Last evaluated: 2025-11-13. Review status: criteria provided, single submitter. Criteria: Invitae Variant Classification Sherloc (09022015). Collection method: clinical testing. Allele origin: germline.
Comment: This sequence change replaces serine, which is neutral and polar, with isoleucine, which is neutral and non-polar, at codon 2733 of the NIPBL protein (p.Ser2733Ile). This variant is not present in population databases (gnomAD no frequency). This variant has not been reported in the literature in individuals affected with NIPBL-related conditions. Invitae Evidence Modeling of protein sequence and biophysical properties (such as structural, functional, and spatial information, amino acid conservation, physicochemical variation, residue mobility, and thermodynamic stability) indicates that this missense variant is not expected to disrupt NIPBL protein function with a negative predictive value of 95%. In summary, the available evidence is currently insufficient to determine the role of this variant in disease. Therefore, it has been classified as a Variant of Uncertain Significance.